The following is an entry in ClinVar:

NM_002691.4(POLD1):c.103G>A (p.Glu35Lys)

Gene: POLD1 (DNA polymerase delta 1, catalytic subunit; plus strand). Cytogenetic location: 19q13.33.
Variant type: single nucleotide variant.
Coding change: c.103G>A on transcript NM_002691.4 (MANE Select); coding-DNA position 103, G replaced by A.
Protein change: p.Glu35Lys; replaces glutamic acid 35 with lysine.
Molecular consequence: missense variant. On other transcripts: non-coding transcript variant (1).
Genome position (GRCh38, 1-based): chr19:50,398,954, G>A. VCF-style: chr19-50398954-G-A. GRCh37 (hg19) VCF-style: chr19-50902211-G-A.
Other names: c.103G>A, p.Glu35Lys (NM_001256849.1, NM_001308632.1); c.103G>A (NM_002691.2); short protein forms E35K.
Identifiers: ClinVar variation 408016 (VCV000408016.18), dbSNP rs554554906, ClinGen allele CA9595617.

ClinVar aggregate classification (germline): Uncertain significance. Review status: criteria provided, multiple submitters, no conflicts (2 of 4 stars). 5 submissions from 5 submitters: Uncertain significance (5). Last evaluated 2026-01-10.

Conditions:
Hereditary cancer-predisposing syndrome. Also called: Neoplastic Syndromes, Hereditary; Hereditary neoplastic syndrome; Hereditary Cancer Syndrome; Tumor predisposition. Identifiers: Orphanet 140162, MedGen C0027672, MeSH D009386, MONDO:0015356.
POLD1-related polyposis and colorectal cancer syndrome (CRCS10). Also called: Colorectal cancer, susceptibility to, 10; Colorectal cancer 10; COLORECTAL CANCER, SUSCEPTIBILITY TO, ON CHROMOSOME 19q. Identifiers: Orphanet 220460, MedGen C2675481, MONDO:0012953, OMIM 612591.
POLD1-related disorder. Also called: POLD1-related disorders; POLD1-related condition.

Allele frequency attached by ClinVar (database versions not stated): gnomAD 0.00001 and 0.00003; gnomAD exomes 0.00002; TOPMed 0.00002; ExAC 0.00009; 1000 Genomes Project 30x 0.00016; 1000 Genomes Project 0.00020.
gnomAD v4.1: 27 of 1,586,164 alleles (0.0017%); highest among the groups gnomAD compares: South Asian, 0.0034%; no homozygotes.

Submissions (5):

Labcorp Genetics (formerly Invitae), Labcorp
Classification: Uncertain significance for POLD1-related polyposis and colorectal cancer syndrome. Last evaluated: 2026-01-10. Review status: criteria provided, single submitter. Criteria: Invitae Variant Classification Sherloc (09022015). Collection method: clinical testing. Allele origin: germline.
Comment: This sequence change replaces glutamic acid, which is acidic and polar, with lysine, which is basic and polar, at codon 35 of the POLD1 protein (p.Glu35Lys). This variant is present in population databases (rs554554906, gnomAD 0.008%). This variant has not been reported in the literature in individuals affected with POLD1-related conditions. ClinVar contains an entry for this variant (Variation ID: 408016). An algorithm developed to predict the effect of missense changes on protein structure and function (PolyPhen-2) suggests that this variant is likely to be disruptive. RNA analysis performed to evaluate the impact of this missense change on mRNA splicing indicates it does not significantly alter splicing (internal data). In summary, the available evidence is currently insufficient to determine the role of this variant in disease. Therefore, it has been classified as a Variant of Uncertain Significance.

Ambry Genetics
Classification: Uncertain significance for Hereditary cancer-predisposing syndrome. Last evaluated: 2025-02-04. Review status: criteria provided, single submitter. Criteria: Ambry Variant Classification Scheme 2023. Collection method: clinical testing. Allele origin: germline.
Comment: The p.E35K variant (also known as c.103G>A), located in coding exon 1 of the POLD1 gene, results from a G to A substitution at nucleotide position 103. The glutamic acid at codon 35 is replaced by lysine, an amino acid with similar properties. This amino acid position is highly conserved in available vertebrate species. In addition, this alteration is predicted to be tolerated by in silico analysis. Based on the available evidence, the clinical significance of this variant remains unclear.

PreventionGenetics, part of Exact Sciences
Classification: Uncertain significance for POLD1-related condition. Last evaluated: 2025-01-08. Review status: criteria provided, single submitter. Criteria: ACMG Guidelines, 2015. Collection method: clinical testing. Allele origin: germline.
Comment: The POLD1 c.103G>A variant is predicted to result in the amino acid substitution p.Glu35Lys. This variant is reported in 0.0078% of alleles in individuals of South Asian descent in gnomAD and is interpreted as uncertain in ClinVar. At this time, the clinical significance of this variant is uncertain due to the absence of conclusive functional and genetic evidence.

GeneDx
Classification: Uncertain significance. Last evaluated: 2024-03-08. Review status: criteria provided, single submitter. Criteria: GeneDx Variant Classification Process June 2021. Collection method: clinical testing. Allele origin: germline. Affected: yes.
Comment: Not observed at significant frequency in large population cohorts (gnomAD); In silico analysis suggests this variant may impact gene splicing. In the absence of RNA/functional studies, the actual effect of this sequence change is unknown; In silico analysis supports that this missense variant does not alter protein structure/function; Observed in individuals referred for hereditary cancer testing; however, no information was provided regarding their clinical history (PMID: 35534704); This variant is associated with the following publications: (PMID: 35534704)

Quest Diagnostics Nichols Institute San Juan Capistrano
Classification: Uncertain significance. Last evaluated: 2018-11-11. Review status: criteria provided, single submitter. Criteria: Quest Diagnostics criteria. Collection method: clinical testing. Allele origin: germline.